The following is an entry in ClinVar:

NM_017617.5(NOTCH1):c.5673C>T (p.Ser1891=)

Gene: NOTCH1 (notch receptor 1; minus strand). Cytogenetic location: 9q34.3.
Variant type: single nucleotide variant.
Coding change: c.5673C>T on transcript NM_017617.5 (MANE Select); coding-DNA position 5673, C replaced by T.
Protein change: p.Ser1891=; no amino-acid change (serine 1891 retained).
Molecular consequence: synonymous variant.
Genome position (GRCh38, 1-based): chr9:136,500,813, G>A on the plus strand (C>T on the coding strand, the complement: NOTCH1 is on the minus strand). VCF-style: chr9-136500813-G-A. GRCh37 (hg19) VCF-style: chr9-139395265-G-A.
Other names: c.5673C>T (NM_017617.4); c.5673C>T, p.Ser1891= (LRG_1122t1).
Identifiers: ClinVar variation 264030 (VCV000264030.26), dbSNP rs2229972, ClinGen allele CA5340158.

ClinVar aggregate classification (germline): Benign/Likely benign. Review status: criteria provided, multiple submitters, no conflicts (2 of 4 stars). 11 submissions from 10 submitters: Benign (5); Likely benign (5). 1 of the submissions does not count toward it. Last evaluated 2026-09-01.

Conditions:
NOTCH1-related disorder. Also called: NOTCH1-related disorders; NOTCH1-related condition.
Adams-Oliver syndrome 5 (AOS5). Identifiers: Orphanet 974, MedGen C4014970, MONDO:0014459, OMIM 616028.
Familial thoracic aortic aneurysm and aortic dissection (TAAD). Also called: Thoracic aortic aneurysms and dissections. Identifiers: Orphanet 91387, MedGen C4707243, MONDO:0019625.
Aortic valve disease 1 (AOVD1). Identifiers: MedGen C3887892, MONDO:0024523, OMIM 109730.

Allele frequency attached by ClinVar (database versions not stated): gnomAD exomes 0.00055; ExAC 0.00079; 1000 Genomes Project 0.00180; 1000 Genomes Project 30x 0.00187; ESP Exome Variant Server 0.00211; gnomAD 0.00263 and 0.00289; TOPMed 0.00272.

Submissions (11):

CeGaT Center for Human Genetics Tuebingen
Classification: Likely benign. Last evaluated: 2026-09-01. Review status: criteria provided, single submitter. Criteria: CeGaT Center For Human Genetics Tuebingen Variant Classification Criteria Version 2. Collection method: clinical testing. Allele origin: germline. Affected: yes. Observed: 1 variant allele.
Comment: NOTCH1: BP4, BP7

Labcorp Genetics (formerly Invitae), Labcorp
Classification: Benign for Adams-Oliver syndrome 5. Last evaluated: 2026-01-29. Review status: criteria provided, single submitter. Criteria: Invitae Variant Classification Sherloc (09022015). Collection method: clinical testing. Allele origin: germline.

ARUP Laboratories, Molecular Genetics and Genomics, ARUP Laboratories
Classification: Benign. Last evaluated: 2025-01-27. Review status: criteria provided, single submitter. Criteria: ARUP Molecular Germline Variant Investigation Process 2024. Collection method: clinical testing. Allele origin: germline.

Blueprint Genetics
Classification: Likely benign. Last evaluated: 2024-10-02. Review status: criteria provided, single submitter. Criteria: ACMG Guidelines, 2015. Collection method: clinical testing. Allele origin: germline.

Women's Health and Genetics/Laboratory Corporation of America, LabCorp
Classification: Benign. Last evaluated: 2023-07-21. Review status: criteria provided, single submitter. Criteria: LabCorp Variant Classification Summary - May 2015. Collection method: clinical testing. Allele origin: germline.

Genome-Nilou Lab
Classification: Benign for Adams-Oliver syndrome 5. Last evaluated: 2022-03-15. Review status: criteria provided, single submitter. Criteria: ACMG Guidelines, 2015. Collection method: clinical testing. Allele origin: germline. Affected: no.

Genome-Nilou Lab
Classification: Benign for Aortic valve disease 1. Last evaluated: 2022-03-15. Review status: criteria provided, single submitter. Criteria: ACMG Guidelines, 2015. Collection method: clinical testing. Allele origin: germline. Affected: no.

GeneDx
Classification: Likely benign. Last evaluated: 2020-09-04. Review status: criteria provided, single submitter. Criteria: GeneDx Variant Classification Process June 2021. Collection method: clinical testing. Allele origin: germline. Affected: yes.

Ambry Genetics
Classification: Likely benign for Familial thoracic aortic aneurysm and aortic dissection. Last evaluated: 2015-05-21. Review status: criteria provided, single submitter. Criteria: Ambry Variant Classification Scheme 2023. Collection method: clinical testing. Allele origin: germline.

Breakthrough Genomics
Classification: Likely benign. Review status: criteria provided, single submitter. Criteria: ACMG Guidelines, 2015. Collection method: not provided. Allele origin: germline. Inheritance: Autosomal dominant inheritance. Affected: yes.

PreventionGenetics, part of Exact Sciences
Classification: Benign for NOTCH1-related condition. Last evaluated: 2019-04-04. Review status: no assertion criteria provided. Collection method: clinical testing. Allele origin: germline. Not counted in ClinVar's aggregate classification.
Comment: This variant is classified as benign based on ACMG/AMP sequence variant interpretation guidelines (Richards et al. 2015 PMID: 25741868, with internal and published modifications).

Literature cited by the submitters: PubMed 24943832 (cited by Women's Health and Genetics/Laboratory Corporation of America, LabCorp); PubMed 16614245 (cited by Women's Health and Genetics/Laboratory Corporation of America, LabCorp); PubMed 21670202 (cited by Women's Health and Genetics/Laboratory Corporation of America, LabCorp); PubMed 22210878 (cited by Women's Health and Genetics/Laboratory Corporation of America, LabCorp); PubMed 19635999 (cited by Women's Health and Genetics/Laboratory Corporation of America, LabCorp); PubMed 26837699 (cited by Women's Health and Genetics/Laboratory Corporation of America, LabCorp); PubMed 23086750 (cited by Women's Health and Genetics/Laboratory Corporation of America, LabCorp); PubMed 19245433 (cited by Women's Health and Genetics/Laboratory Corporation of America, LabCorp); PubMed 22077063 (cited by Women's Health and Genetics/Laboratory Corporation of America, LabCorp); PubMed 15472075 (cited by Women's Health and Genetics/Laboratory Corporation of America, LabCorp); PubMed 23734977 (cited by Women's Health and Genetics/Laboratory Corporation of America, LabCorp); PubMed 22858860 (cited by Women's Health and Genetics/Laboratory Corporation of America, LabCorp).